The following is an entry in ClinVar:

NM_000368.5(TSC1):c.277_278inv (p.Leu93Arg)

Gene: TSC1 (TSC complex subunit 1; minus strand). Cytogenetic location: 9q34.13.
Variant type: Inversion.
Coding change: c.277_278inv on transcript NM_000368.5 (MANE Select).
Protein change: p.Leu93Arg; replaces leucine 93 with arginine.
Molecular consequence: missense variant. On other transcripts: non-coding transcript variant (5), intron variant (5), 5 prime UTR variant (18).
Genome position: GRCh38 VCF-style: chr9-132925672-AG-CT. GRCh37 (hg19) VCF-style: chr9-135801059-AG-CT.
Other names: c.210+1528_210+1529inv (NM_001406613.1, NM_001406612.1, NM_001406610.1 and 2 more transcripts); c.277_278inv, p.Leu93Arg (NM_001162426.2, NM_001406592.1, NM_001406593.1 and 16 more transcripts); c.-87_-86inv (NM_001362177.2, NM_001406617.1, NM_001406618.1 and 5 more transcripts); c.-179_-178inv (NM_001406614.1, NM_001406616.1, NM_001406624.1); c.-212_-211inv (NM_001406615.1, NM_001406623.1); c.-601_-600inv (NM_001406626.1, NM_001406627.1, NM_001406628.1); c.-743_-742inv (NM_001406629.1); c.-817_-816inv (NM_001406630.1); short protein forms L93R.
Identifiers: ClinVar variation 2864802 (VCV002864802.3), ClinGen allele CA2739265171.

ClinVar aggregate classification (germline): Uncertain significance (1 of 4 stars; one submission).

Conditions:
Tuberous sclerosis 1 (TSC1). Identifiers: Orphanet 805, MedGen C1854465, MONDO:0008612, OMIM 191100.

Submission:

Labcorp Genetics (formerly Invitae), Labcorp
Classification: Uncertain significance for Tuberous sclerosis 1. Last evaluated: 2023-05-16. Review status: criteria provided, single submitter. Criteria: Invitae Variant Classification Sherloc (09022015). Collection method: clinical testing. Allele origin: germline.
Comment: In summary, the available evidence is currently insufficient to determine the role of this variant in disease. Therefore, it has been classified as a Variant of Uncertain Significance. This variant disrupts the p.Leu93 amino acid residue in TSC1. Other variant(s) that disrupt this residue have been observed in individuals with TSC1-related conditions (PMID: 32211034; Invitae), which suggests that this may be a clinically significant amino acid residue. Experimental studies have shown that this missense change affects TSC1 function (PMID: 19747374, 21309039). An algorithm developed to predict the effect of missense changes on protein structure and function (PolyPhen-2) suggests that this variant is likely to be disruptive. This missense change has been observed in individual(s) with tuberous sclerosis complex (Invitae). Information on the frequency of this variant in the gnomAD database is not available, as this variant may be reported differently in the database. This sequence change replaces leucine, which is neutral and non-polar, with arginine, which is basic and polar, at codon 93 of the TSC1 protein (p.Leu93Arg).

Literature cited by the submitters: PubMed 32211034; PubMed 19747374; PubMed 21309039.